The following is an entry in ClinVar:

NM_001393586.1(MYO7B):c.1081-10G>T

Gene: MYO7B (myosin VIIB; plus strand). Cytogenetic location: 2q14.3.
Variant type: single nucleotide variant.
Coding change: c.1081-10G>T on transcript NM_001393586.1 (MANE Select); 10 bases into the intron before coding-DNA position 1081, G replaced by T.
Molecular consequence: intron variant.
Genome position (GRCh38, 1-based): chr2:127,581,881, G>T. VCF-style: chr2-127581881-G-T. GRCh37 (hg19) VCF-style: chr2-128339456-G-T.
Other names: c.1081-10G>T (NM_001080527.2).
Identifiers: ClinVar variation 3059783 (VCV003059783.2), dbSNP rs4662740, ClinGen allele CA1860690.

ClinVar aggregate classification (germline): Benign (0 of 4 stars; one submission).

Conditions:
MYO7B-related disorder. Also called: MYO7B-related condition.

Allele frequency attached by ClinVar (database versions not stated): ESP Exome Variant Server 0.31568; 1000 Genomes Project 30x 0.32573; 1000 Genomes Project 0.33247; gnomAD 0.33988; TOPMed 0.34170; ExAC 0.39288; gnomAD exomes 0.40955.
gnomAD v4.1: 649,161 of 1,612,964 alleles (40%); highest among the groups gnomAD compares: East Asian, 69%; 141,245 homozygotes.

Submission:

PreventionGenetics, part of Exact Sciences
Classification: Benign for MYO7B-related condition. Last evaluated: 2024-03-05. Review status: no assertion criteria provided. Collection method: clinical testing. Allele origin: germline.
Comment: This variant is classified as benign based on ACMG/AMP sequence variant interpretation guidelines (Richards et al. 2015 PMID: 25741868, with internal and published modifications).